The following is an entry in ClinVar:

NM_170606.3(KMT2C):c.4414C>T (p.Pro1472Ser)

Gene: KMT2C (lysine methyltransferase 2C; minus strand). Cytogenetic location: 7q36.1.
Variant type: single nucleotide variant.
Coding change: c.4414C>T on transcript NM_170606.3 (MANE Select); coding-DNA position 4414, C replaced by T.
Protein change: p.Pro1472Ser; replaces proline 1472 with serine.
Molecular consequence: missense variant.
Genome position (GRCh38, 1-based): chr7:152,194,533, G>A on the plus strand (C>T on the coding strand, the complement: KMT2C is on the minus strand). VCF-style: chr7-152194533-G-A. GRCh37 (hg19) VCF-style: chr7-151891618-G-A.
Other names: short protein forms P1472S.
Identifiers: ClinVar variation 1476097 (VCV001476097.6), dbSNP rs1227713516, ClinGen allele CA370106033.

ClinVar aggregate classification (germline): Uncertain significance (1 of 4 stars; one submission).

gnomAD v4.1: 4 of 1,612,854 alleles (0.00025%); highest among the groups gnomAD compares: Non-Finnish European, 0.00034%; no homozygotes.

Submission:

Labcorp Genetics (formerly Invitae), Labcorp
Classification: Uncertain significance. Last evaluated: 2023-11-27. Review status: criteria provided, single submitter. Criteria: Invitae Variant Classification Sherloc (09022015). Collection method: clinical testing. Allele origin: germline.
Comment: This sequence change replaces proline, which is neutral and non-polar, with serine, which is neutral and polar, at codon 1472 of the KMT2C protein (p.Pro1472Ser). This variant is not present in population databases (gnomAD no frequency). This variant has not been reported in the literature in individuals affected with KMT2C-related conditions. ClinVar contains an entry for this variant (Variation ID: 1476097). Advanced modeling of protein sequence and biophysical properties (such as structural, functional, and spatial information, amino acid conservation, physicochemical variation, residue mobility, and thermodynamic stability) performed at Invitae indicates that this missense variant is not expected to disrupt KMT2C protein function with a negative predictive value of 80%. In summary, the available evidence is currently insufficient to determine the role of this variant in disease. Therefore, it has been classified as a Variant of Uncertain Significance.